The following is an entry in ClinVar:

ClinVar aggregate classification (germline): Uncertain significance (1 of 4 stars; one submission).

Allele frequency attached by ClinVar (database versions not stated): gnomAD 0.00001; TOPMed 0.00002.
gnomAD v4.1: 1 of 1,610,462 alleles (0.000062%); highest among the groups gnomAD compares: African/African-American, 0.0013%; no homozygotes.

Submission:

Labcorp Genetics (formerly Invitae), Labcorp
Classification: Uncertain significance. Last evaluated: 2022-10-03. Review status: criteria provided, single submitter. Criteria: Invitae Variant Classification Sherloc (09022015). Collection method: clinical testing. Allele origin: germline.
Comment: In summary, the available evidence is currently insufficient to determine the role of this variant in disease. Therefore, it has been classified as a Variant of Uncertain Significance. Algorithms developed to predict the effect of missense changes on protein structure and function (SIFT, PolyPhen-2, Align-GVGD) all suggest that this variant is likely to be tolerated. This variant has not been reported in the literature in individuals affected with TTBK2-related conditions. This variant is present in population databases (no rsID available, gnomAD 0.01%). This sequence change replaces glutamine, which is neutral and polar, with arginine, which is basic and polar, at codon 688 of the TTBK2 protein (p.Gln688Arg).

NM_173500.4(TTBK2):c.2063A>G (p.Gln688Arg)

Gene: TTBK2 (tau tubulin kinase 2; minus strand). Cytogenetic location: 15q15.2.
Variant type: single nucleotide variant.
Coding change: c.2063A>G on transcript NM_173500.4 (MANE Select); coding-DNA position 2063, A replaced by G.
Protein change: p.Gln688Arg; replaces glutamine 688 with arginine.
Molecular consequence: missense variant.
Genome position (GRCh38, 1-based): chr15:42,753,183, T>C on the plus strand (A>G on the coding strand, the complement: TTBK2 is on the minus strand). VCF-style: chr15-42753183-T-C. GRCh37 (hg19) VCF-style: chr15-43045381-T-C.
Other names: short protein forms Q688R.
Identifiers: ClinVar variation 2088326 (VCV002088326.4), dbSNP rs1304287393, ClinGen allele CA392076358.